The following is an entry in ClinVar:

ClinVar aggregate classification (germline): Likely pathogenic (1 of 4 stars; one submission).

Conditions:
Hypogonadotropic hypogonadism 2 with or without anosmia (HH2). Also called: HYPOGONADOTROPIC HYPOGONADISM 2 WITHOUT ANOSMIA; HYPOGONADOTROPIC HYPOGONADISM 2 WITH OR WITHOUT ANOSMIA, SUSCEPTIBILITY TO; HYPOGONADOTROPIC HYPOGONADISM 2 WITHOUT ANOSMIA, SUSCEPTIBILITY TO; FGFR1-Related GnRH Deficiency (Kallmann Syndrome 2). Identifiers: Orphanet 478, MedGen C1563720, MONDO:0007844, OMIM 147950. Disease mechanism: loss of function.

Submission:

Department of Pediatrics, Asan Medical Center, University of Ulsan College of Medicine
Classification: Likely pathogenic for Hypogonadotropic hypogonadism 2 with or without anosmia. Last evaluated: 2026-07-19. Review status: criteria provided, single submitter. Criteria: ACMG Guidelines, 2015. Collection method: research. Allele origin: germline. Inheritance: Autosomal dominant inheritance. Affected: yes. Observed: 1 heterozygote.
Comment: ACMG/AMP evidence codes: PVS1, PM2_Supporting. In silico predictions: MutationTaster disease causing. Not found in gnomAD. Novel variant.

NM_023110.3(FGFR1):c.1837dup (p.Tyr613fs)

Gene: FGFR1 (fibroblast growth factor receptor 1; minus strand). Cytogenetic location: 8p11.23.
Variant type: Duplication.
Coding change: c.1837dup on transcript NM_023110.3 (MANE Select); coding-DNA position 1837, one base duplicated (T; older notation c.1837dupT).
Protein change: p.Tyr613fs; shifts the reading frame from tyrosine 613.
Molecular consequence: frameshift variant.
Genome position (GRCh38, 1-based): chr8:38,415,887, A duplicated on the plus strand (T on the coding strand, the reverse complement: FGFR1 is on the minus strand). VCF-style (leftmost placement, unchanged base first): chr8-38415886-T-TA. GRCh37 (hg19) VCF-style: chr8-38273404-T-TA.
Other names: c.1831dup, p.Tyr611fs (NM_001174063.2, NM_001174065.2, NM_001354367.2 and 1 more transcripts); c.1807dup, p.Tyr603fs (NM_001174064.2); c.1570dup, p.Tyr524fs (NM_001174066.2, NM_023105.3); c.1930dup, p.Tyr644fs (NM_001174067.2); c.1558dup, p.Tyr520fs (NM_001354368.2); c.1825dup, p.Tyr609fs (NM_001354369.2, NM_001410922.1); c.1564dup, p.Tyr522fs (NM_001354370.2, NM_023106.3); short protein forms Y520fs, Y522fs, Y524fs, Y603fs, Y609fs, Y611fs, Y613fs, Y644fs.
Identifiers: ClinVar variation 4879459 (VCV004879459.1).